The following is an entry in ClinVar:

NM_006517.5(SLC16A2):c.856A>G (p.Ser286Gly)

Gene: SLC16A2 (solute carrier family 16 member 2; plus strand). Cytogenetic location: Xq13.2.
Variant type: single nucleotide variant.
Coding change: c.856A>G on transcript NM_006517.5 (MANE Select); coding-DNA position 856, A replaced by G.
Protein change: p.Ser286Gly; replaces serine 286 with glycine.
Molecular consequence: missense variant.
Genome position (GRCh38, 1-based): chrX:74,524,639, A>G. VCF-style: chrX-74524639-A-G. GRCh37 (hg19) VCF-style: chrX-73744474-A-G.
Other names: short protein forms S286G.
Identifiers: ClinVar variation 2147444 (VCV002147444.4), dbSNP rs776291109, ClinGen allele CA10454464.

ClinVar aggregate classification (germline): Uncertain significance (1 of 4 stars; one submission).

Conditions:
Spastic paraplegia. Identifiers: MedGen C0037772, HP:0001258.

Allele frequency attached by ClinVar (database versions not stated): ExAC 0.00001; gnomAD exomes 0.00001; TOPMed 0.00001; gnomAD 0.00002.
gnomAD v4.1: 14 of 1,209,706 alleles (0.0012%); highest among the groups gnomAD compares: Non-Finnish European, 0.0015%; no homozygotes.

Submission:

Labcorp Genetics (formerly Invitae), Labcorp
Classification: Uncertain significance for Spastic paraplegia. Last evaluated: 2024-08-29. Review status: criteria provided, single submitter. Criteria: Invitae Variant Classification Sherloc (09022015). Collection method: clinical testing. Allele origin: germline.
Comment: This sequence change replaces serine, which is neutral and polar, with glycine, which is neutral and non-polar, at codon 286 of the SLC16A2 protein (p.Ser286Gly). This variant is not present in population databases (gnomAD no frequency). This variant has not been reported in the literature in individuals affected with SLC16A2-related conditions. ClinVar contains an entry for this variant (Variation ID: 2147444). Invitae Evidence Modeling of protein sequence and biophysical properties (such as structural, functional, and spatial information, amino acid conservation, physicochemical variation, residue mobility, and thermodynamic stability) has been performed for this missense variant. However, the output from this modeling did not meet the statistical confidence thresholds required to predict the impact of this variant on SLC16A2 protein function. Algorithms developed to predict the effect of sequence changes on RNA splicing suggest that this variant may create or strengthen a splice site. In summary, the available evidence is currently insufficient to determine the role of this variant in disease. Therefore, it has been classified as a Variant of Uncertain Significance.